The following is an entry in ClinVar:

NM_000179.3(MSH6):c.3265T>C (p.Leu1089=)

Gene: MSH6 (mutS homolog 6; plus strand). Cytogenetic location: 2p16.3.
Variant type: single nucleotide variant.
Coding change: c.3265T>C on transcript NM_000179.3 (MANE Select); coding-DNA position 3265, T replaced by C.
Protein change: p.Leu1089=; no amino-acid change (leucine 1089 retained).
Molecular consequence: synonymous variant.
Genome position (GRCh38, 1-based): chr2:47,803,512, T>C. VCF-style: chr2-47803512-T-C. GRCh37 (hg19) VCF-style: chr2-48030651-T-C.
Other names: c.2875T>C, p.Leu959= (NM_001281492.2); c.2359T>C, p.Leu787= (NM_001281493.2, NM_001281494.2).
Identifiers: ClinVar variation 185357 (VCV000185357.31), dbSNP rs34490141, ClinGen allele CA012374.

ClinVar aggregate classification (germline): Benign/Likely benign. Review status: criteria provided, multiple submitters, no conflicts (2 of 4 stars). 14 submissions from 14 submitters: Benign (8); Likely benign (5). 1 of the submissions does not count toward it. Last evaluated 2026-01-31.

Conditions:
Hereditary nonpolyposis colorectal neoplasms. Identifiers: MedGen C0009405, MeSH D003123.
Breast and/or ovarian cancer. Identifiers: MedGen CN221562.
Hereditary cancer-predisposing syndrome. Also called: Tumor predisposition; Neoplastic Syndromes, Hereditary; Hereditary neoplastic syndrome; Hereditary Cancer Syndrome. Identifiers: Orphanet 140162, MedGen C0027672, MeSH D009386, MONDO:0015356.
Lynch syndrome 5 (LYNCH5). Also called: Colorectal cancer, hereditary nonpolyposis, type 5; Hereditary non-polyposis colorectal cancer, type 5. Identifiers: Orphanet 144, MedGen C1833477, MONDO:0013710, OMIM 614350. Disease mechanism: loss of function.
Carcinoma of colon (CRC). Also called: Colon carcinoma; Colonic carcinoma. Identifiers: MedGen C0699790, MONDO:0002032.

Allele frequency attached by ClinVar (database versions not stated): gnomAD exomes 0.00008 and 0.00024; ExAC 0.00028; ESP Exome Variant Server 0.00054; gnomAD 0.00096 and 0.00100; TOPMed 0.00100; 1000 Genomes Project 30x 0.00156; 1000 Genomes Project 0.00160.
gnomAD v4.1: 286 of 1,614,146 alleles (0.018%); highest among the groups gnomAD compares: African/African-American, 0.33%; 3 homozygotes.

Submissions (14):

Labcorp Genetics (formerly Invitae), Labcorp
Classification: Benign for Hereditary nonpolyposis colorectal neoplasms. Last evaluated: 2026-01-31. Review status: criteria provided, single submitter. Criteria: Invitae Variant Classification Sherloc (09022015). Collection method: clinical testing. Allele origin: germline.

Center for Genomic Medicine, Rigshospitalet, Copenhagen University Hospital
Classification: Likely benign. Last evaluated: 2025-03-04. Review status: criteria provided, single submitter. Criteria: ACMG Guidelines, 2015. Collection method: clinical testing. Allele origin: germline.

Myriad Genetics, Inc.
Classification: Benign for Lynch syndrome 5. Last evaluated: 2025-01-06. Review status: criteria provided, single submitter. Criteria: Myriad Autosomal Dominant, Autosomal Recessive and X-Linked Classification Criteria (2023). Collection method: clinical testing. Allele origin: unknown.
Comment: This variant is considered benign. This variant is a silent/synonymous amino acid change and it is not expected to impact splicing.

Blueprint Genetics
Classification: Likely benign. Last evaluated: 2024-03-28. Review status: criteria provided, single submitter. Criteria: ACMG Guidelines, 2015. Collection method: clinical testing. Allele origin: germline.

KCCC/NGS Laboratory, Kuwait Cancer Control Center
Classification: Benign for Lynch syndrome 5. Last evaluated: 2023-07-07. Review status: criteria provided, single submitter. Criteria: ACMG Guidelines, 2015. Collection method: clinical testing. Allele origin: germline. Affected: yes.

CHEO Genetics Diagnostic Laboratory, Children's Hospital of Eastern Ontario
Classification: Likely benign for Breast and/or ovarian cancer. Last evaluated: 2021-06-21. Review status: criteria provided, single submitter. Criteria: ACMG Guidelines, 2015. Collection method: clinical testing. Allele origin: germline.

Genetic Services Laboratory, University of Chicago
Classification: Likely benign. Last evaluated: 2021-04-06. Review status: criteria provided, single submitter. Criteria: ACMG Guidelines, 2015. Collection method: clinical testing. Allele origin: germline. Affected: no.

Sema4
Classification: Benign for Hereditary cancer-predisposing syndrome. Last evaluated: 2021-01-04. Review status: criteria provided, single submitter. Criteria: Sema4 Curation Guidelines. Collection method: curation. Allele origin: germline.

Quest Diagnostics Nichols Institute San Juan Capistrano
Classification: Benign. Last evaluated: 2018-03-05. Review status: criteria provided, single submitter. Criteria: Quest Diagnostics criteria. Collection method: clinical testing. Allele origin: germline.

Women's Health and Genetics/Laboratory Corporation of America, LabCorp
Classification: Benign. Last evaluated: 2016-01-12. Review status: criteria provided, single submitter. Criteria: LabCorp Variant Classification Summary - May 2015. Collection method: clinical testing. Allele origin: germline.

Color Diagnostics, LLC DBA Color Health
Classification: Likely benign for Hereditary cancer-predisposing syndrome. Last evaluated: 2015-04-25. Review status: criteria provided, single submitter. Criteria: ACMG Guidelines, 2015. Collection method: clinical testing. Allele origin: germline.

GeneDx
Classification: Benign. Last evaluated: 2015-03-03. Review status: criteria provided, single submitter. Criteria: GeneDx Variant Classification Process June 2021. Collection method: clinical testing. Allele origin: germline. Affected: yes.

Ambry Genetics
Classification: Benign for Hereditary cancer-predisposing syndrome. Last evaluated: 2014-07-11. Review status: criteria provided, single submitter. Criteria: Ambry Variant Classification Scheme 2023. Collection method: clinical testing. Allele origin: germline.

Department of Pathology and Laboratory Medicine, Sinai Health System
Classification: Likely benign for Carcinoma of colon. Review status: no assertion criteria provided. Collection method: clinical testing. Allele origin: unknown. Affected: yes. Study: The Canadian Open Genetics Repository (COGR). Not counted in ClinVar's aggregate classification.
Comment: The MSH6 p.Leu1089= variant was not identified in the literature nor was it identified in the UMD-LSDB database. The variant was identified in dbSNP (rs34490141) as â€šÃ„Ãºwith other allele and ClinVar (classified as benign by Invitae, Ambry Genetics, Integrated Genetics and 1 other submitter; and as likely benign by Color). The variant was identified in control databases in 90 of 282,832 chromosomes at a frequency of 0.0003 (Genome Aggregation Database Feb 27, 2017). The variant was observed in the following populations: African in 84 of 24,974 chromosomes (freq: 0.003, increasing the likelihood this could be a low frequency benign variant), Latino in 4 of 35,422 chromosomes (freq: 0.0001), South Asian in 1 of 30,616 chromosomes (freq: 0.00003), and European in 1 of 129,162 chromosomes (freq: 0.000008), while it was not observed in the Ashkenazi Jewish, East Asian, Finnish or Other populations. The p.Leu1089= variant is not expected to have clinical significance because it does not result in a change of amino acid and is not located in a known consensus splice site. The variant occurs at a non-highly conserved nucleotide outside of the splicing consensus sequence and in silico or computational prediction software programs (SpliceSiteFinder, MaxEntScan, NNSPLICE, GeneSplicer) do not predict a difference in splicing; this is not very predictive of pathogenicity. In summary, based on the above information, the clinical significance of this variant cannot be determined with certainty at this time although we would lean towards a more benign role for this variant. This variant is classified as likely benign.